The following is an entry in ClinVar:

NM_001719.3(BMP7):c.718C>T (p.Arg240Trp)

Gene: BMP7 (bone morphogenetic protein 7; minus strand). Cytogenetic location: 20q13.31.
Variant type: single nucleotide variant.
Coding change: c.718C>T on transcript NM_001719.3 (MANE Select); coding-DNA position 718, C replaced by T.
Protein change: p.Arg240Trp; replaces arginine 240 with tryptophan.
Molecular consequence: missense variant.
Genome position (GRCh38, 1-based): chr20:57,202,517, G>A on the plus strand (C>T on the coding strand, the complement: BMP7 is on the minus strand). VCF-style: chr20-57202517-G-A. GRCh37 (hg19) VCF-style: chr20-55777573-G-A.
Other names: short protein forms R240W.
Identifiers: ClinVar variation 2910832 (VCV002910832.3), dbSNP rs116720786, ClinGen allele CA9919721.

ClinVar aggregate classification (germline): Uncertain significance (1 of 4 stars; one submission).

Allele frequency attached by ClinVar (database versions not stated): ExAC 0.00010; ESP Exome Variant Server 0.00015; 1000 Genomes Project 0.00020; gnomAD 0.00023; TOPMed 0.00025; 1000 Genomes Project 30x 0.00031.
gnomAD v4.1: 86 of 1,609,684 alleles (0.0053%); highest among the groups gnomAD compares: African/African-American, 0.073%; 1 homozygote.

Submission:

Labcorp Genetics (formerly Invitae), Labcorp
Classification: Uncertain significance. Last evaluated: 2024-05-22. Review status: criteria provided, single submitter. Criteria: Invitae Variant Classification Sherloc (09022015). Collection method: clinical testing. Allele origin: germline.
Comment: This sequence change replaces arginine, which is basic and polar, with tryptophan, which is neutral and slightly polar, at codon 240 of the BMP7 protein (p.Arg240Trp). This variant is present in population databases (rs116720786, gnomAD 0.1%), and has an allele count higher than expected for a pathogenic variant. This variant has not been reported in the literature in individuals affected with BMP7-related conditions. An algorithm developed to predict the effect of missense changes on protein structure and function (PolyPhen-2) suggests that this variant is likely to be disruptive. In summary, the available evidence is currently insufficient to determine the role of this variant in disease. Therefore, it has been classified as a Variant of Uncertain Significance.